The following is an entry in ClinVar:

NM_133433.4(NIPBL):c.1332T>C (p.Ala444=)

Gene: NIPBL (NIPBL cohesin loading factor; plus strand). Cytogenetic location: 5p13.2.
Variant type: single nucleotide variant.
Coding change: c.1332T>C on transcript NM_133433.4 (MANE Select); coding-DNA position 1332, T replaced by C.
Protein change: p.Ala444=; no amino-acid change (alanine 444 retained).
Molecular consequence: synonymous variant.
Genome position (GRCh38, 1-based): chr5:36,976,239, T>C. VCF-style: chr5-36976239-T-C. GRCh37 (hg19) VCF-style: chr5-36976341-T-C.
Other names: c.1332T>C, p.Ala444= (NM_015384.5).
Identifiers: ClinVar variation 2655418 (VCV002655418.24), dbSNP rs2479128190, ClinGen allele CA444095545.
Genomic context (GRCh38, chr5:36,976,239, plus strand): 5'-ACAAACAGCATTCCTTCCAGCAAATCAAGTGCCTGTTTTACAACAGAACACTTCAGTTGC[T>C]GCAAAACAACCCCAGACTTCTGTGGTACAGAATCAACAACAGATATCACAACAGGGACCT-3'
Protein context (NP_597677.2, residues 434-454): VPVLQQNTSV[Ala444=]AKQPQTSVVQ

ClinVar aggregate classification (germline): Uncertain significance (1 of 4 stars; one submission).

Submission:

CeGaT Center for Human Genetics Tuebingen
Classification: Uncertain significance. Last evaluated: 2022-12-01. Review status: criteria provided, single submitter. Criteria: CeGaT Center For Human Genetics Tuebingen Variant Classification Criteria Version 2. Collection method: clinical testing. Allele origin: germline. Affected: yes. Observed: 1 variant allele.
Comment: NIPBL: PM2:Supporting, BP4